The following is an entry in ClinVar:

NM_015662.3(IFT172):c.4224+5G>A

Gene: IFT172 (intraflagellar transport 172; minus strand). Cytogenetic location: 2p23.3.
Variant type: single nucleotide variant.
Coding change: c.4224+5G>A on transcript NM_015662.3 (MANE Select); 5 bases into the intron after coding-DNA position 4224, G replaced by A.
Molecular consequence: intron variant.
Genome position (GRCh38, 1-based): chr2:27,449,494, C>T on the plus strand (G>A on the coding strand, the complement: IFT172 is on the minus strand). VCF-style: chr2-27449494-C-T. GRCh37 (hg19) VCF-style: chr2-27672361-C-T.
Other names: c.4158+5G>A (NM_001410739.1).
Identifiers: ClinVar variation 5001132 (VCV005001132.1).
Genomic context (GRCh38, chr2:27,449,494, plus strand): 5'-AAGAGGGAGAGAGTCTTGTGAGTCTCTCCCTGCATTCTGCCTCCTGCTAACTCTCCAAGT[C>T]TCACCGAGTCCACTTTGCCCTGATTCTTGAGGAACTCTTTATAATGCTGGTCCACATAGT-3'

ClinVar aggregate classification (germline): Uncertain significance (1 of 4 stars; one submission).

Conditions:
IFT172-related disorder. Also called: IFT172-related disorders; IFT172-related condition.

gnomAD v4.1: 1 of 1,614,178 alleles (0.000062%); highest among the groups gnomAD compares: Non-Finnish European, 0.000085%; no homozygotes.

Submission:

PreventionGenetics, part of Exact Sciences
Classification: Uncertain significance for IFT172-related condition. Last evaluated: 2025-07-24. Review status: criteria provided, single submitter. Criteria: ACMG Guidelines, 2015. Collection method: clinical testing. Allele origin: germline.
Comment: The IFT172 c.4224+5G>A variant is predicted to interfere with splicing. This variant is predicted to alter splicing based on available splicing prediction programs (SpliceAI, Jaganathan et al. 2019. PubMed ID: 30661751). To our knowledge, this variant has not been reported in the literature or in a large population database (gnomAD), indicating this variant is rare. At this time, the clinical significance of this variant is uncertain due to the absence of conclusive functional and genetic evidence.